The following is an entry in ClinVar:

ClinVar aggregate classification (germline): Conflicting classifications of pathogenicity. Review status: criteria provided, conflicting classifications (1 of 4 stars). 3 submissions from 3 submitters: Uncertain significance (1); Likely benign (2). Last evaluated 2025-08-25.

Conditions:
Hereditary cancer-predisposing syndrome. Also called: Hereditary Cancer Syndrome; Neoplastic Syndromes, Hereditary; Tumor predisposition; Hereditary neoplastic syndrome. Identifiers: Orphanet 140162, MedGen C0027672, MeSH D009386, MONDO:0015356.
Juvenile polyposis syndrome (JPS). Identifiers: Orphanet 2929, MedGen C0345893, MONDO:0017380, OMIM 174900.

Submissions (3):

Labcorp Genetics (formerly Invitae), Labcorp
Classification: Likely benign for Juvenile polyposis syndrome. Last evaluated: 2025-08-25. Review status: criteria provided, single submitter. Criteria: Invitae Variant Classification Sherloc (09022015). Collection method: clinical testing. Allele origin: germline.

Myriad Genetics, Inc.
Classification: Likely benign for Juvenile polyposis syndrome. Last evaluated: 2024-08-01. Review status: criteria provided, single submitter. Criteria: Myriad Autosomal Dominant, Autosomal Recessive and X-Linked Classification Criteria (2023). Collection method: clinical testing. Allele origin: unknown.
Comment: This variant is considered likely benign. This variant is intronic and is not expected to impact mRNA splicing.

Color Diagnostics, LLC DBA Color Health
Classification: Uncertain significance for Hereditary cancer-predisposing syndrome. Last evaluated: 2018-12-09. Review status: criteria provided, single submitter. Criteria: ACMG Guidelines, 2015. Collection method: clinical testing. Allele origin: germline.

NM_004329.3(BMPR1A):c.531-6T>C

Gene: BMPR1A (bone morphogenetic protein receptor type 1A; plus strand). Cytogenetic location: 10q23.2.
Variant type: single nucleotide variant.
Coding change: c.531-6T>C on transcript NM_004329.3 (MANE Select); 6 bases into the intron before coding-DNA position 531, T replaced by C.
Molecular consequence: intron variant.
Genome position (GRCh38, 1-based): chr10:86,912,234, T>C. VCF-style: chr10-86912234-T-C. GRCh37 (hg19) VCF-style: chr10-88671991-T-C.
Identifiers: ClinVar variation 630929 (VCV000630929.13), dbSNP rs1564721906, ClinGen allele CA913188308.
Genomic context (GRCh38, chr10:86,912,234, plus strand): 5'-AAGGTTTTTCTTAGGGTTTTATAGTTTTTCATTTTTAATGTAGATTGTTTTCTGCTTTTT[T>C]AAAAGACATTATTGCAAGAGCATCTCAAGCAGACGTCGTTACAATCGTGATTTGGAACAG-3'